The following is an entry in ClinVar:

NM_000372.5(TYR):c.833G>T (p.Arg278Leu)

Gene: TYR (tyrosinase; plus strand). Cytogenetic location: 11q14.3.
Variant type: single nucleotide variant.
Coding change: c.833G>T on transcript NM_000372.5 (MANE Select); coding-DNA position 833, G replaced by T.
Protein change: p.Arg278Leu; replaces arginine 278 with leucine.
Molecular consequence: missense variant.
Genome position (GRCh38, 1-based): chr11:89,191,215, G>T. VCF-style: chr11-89191215-G-T. GRCh37 (hg19) VCF-style: chr11-88924383-G-T.
Other names: short protein forms R278L.
Identifiers: ClinVar variation 2578666 (VCV002578666.25), dbSNP rs753384336, ClinGen allele CA382035702.
Genomic context (GRCh38, chr11:89,191,215, plus strand): 5'-ACTCAGTGGTGGTGACAATTTGTTTAACATGAGGGTGTTTTGTACAGATTGTCTGTAGCC[G>T]ATTGGAGGAGTACAACAGCCATCAGTCTTTATGCAATGGAACGCCCGAGGGACCTTTACG-3'
Protein context (NP_000363.1, residues 268-288): FFSSWQIVCS[Arg278Leu]LEEYNSHQSL

ClinVar aggregate classification (germline): Likely pathogenic (1 of 4 stars; one submission).

gnomAD v4.1: 4 of 1,613,416 alleles (0.00025%); highest among the groups gnomAD compares: Non-Finnish European, 0.00034%; no homozygotes.

Submission:

CeGaT Center for Human Genetics Tuebingen
Classification: Likely pathogenic. Last evaluated: 2024-02-01. Review status: criteria provided, single submitter. Criteria: CeGaT Center For Human Genetics Tuebingen Variant Classification Criteria Version 2. Collection method: clinical testing. Allele origin: germline. Affected: yes. Observed: 2 variant alleles.
Comment: TYR: PM1, PM2, PM3:Supporting, PP4